The following is an entry in ClinVar:

ClinVar aggregate classification (germline): Likely benign (1 of 4 stars; one submission).

Conditions:
CDC14A-related disorder. Also called: CDC14A-related condition.

gnomAD v4.1: 228 of 1,535,514 alleles (0.015%); highest among the groups gnomAD compares: Non-Finnish European, 0.018%; no homozygotes.

Submission:

PreventionGenetics, part of Exact Sciences
Classification: Likely benign for CDC14A-related condition. Last evaluated: 2026-09-23. Review status: criteria provided, single submitter. Criteria: ACMG Guidelines, 2015. Collection method: clinical testing. Allele origin: germline.
Comment: This variant is classified as likely benign based on ACMG/AMP sequence variant interpretation guidelines (Richards et al. 2015 PMID: 25741868, with internal and published modifications).

NM_003672.4(CDC14A):c.1755+5567C>T

Gene: CDC14A (cell division cycle 14A; plus strand). Cytogenetic location: 1p21.2.
Variant type: single nucleotide variant.
Coding change: c.1755+5567C>T on transcript NM_003672.4 (MANE Select); 5567 bases into the intron after coding-DNA position 1755, C replaced by T.
Molecular consequence: intron variant. On other transcripts: synonymous variant (1).
Genome position (GRCh38, 1-based): chr1:100,504,829, C>T. VCF-style: chr1-100504829-C-T. GRCh37 (hg19) VCF-style: chr1-100970385-C-T.
Other names: c.1771C>T, p.Leu591= (NM_001319210.2).
Identifiers: ClinVar variation 4993998 (VCV004993998.1).